The following is an entry in ClinVar:

ClinVar aggregate classification (germline): Conflicting classifications of pathogenicity. Review status: criteria provided, conflicting classifications (1 of 4 stars). 2 submissions from 2 submitters: Uncertain significance (1); Benign (1). Last evaluated 2025-07-28.

Conditions:
SOX11-related disorder. Also called: SOX11-related condition.

Submissions (2):

Labcorp Genetics (formerly Invitae), Labcorp
Classification: Benign. Last evaluated: 2025-07-28. Review status: criteria provided, single submitter. Criteria: Invitae Variant Classification Sherloc (09022015). Collection method: clinical testing. Allele origin: germline.

PreventionGenetics, part of Exact Sciences
Classification: Uncertain significance for SOX11-related condition. Last evaluated: 2023-01-04. Review status: criteria provided, single submitter. Criteria: ACMG Guidelines, 2015. Collection method: clinical testing. Allele origin: germline.
Comment: The SOX11 c.1061G>A variant is predicted to result in the amino acid substitution p.Ser354Asn. To our knowledge, this variant has not been reported in the literature or in a large population database, indicating this variant is rare. At this time, the clinical significance of this variant is uncertain due to the absence of conclusive functional and genetic evidence.

NM_003108.4(SOX11):c.1061G>A (p.Ser354Asn)

Gene: SOX11 (SRY-box transcription factor 11; plus strand). Cytogenetic location: 2p25.2.
Variant type: single nucleotide variant.
Coding change: c.1061G>A on transcript NM_003108.4 (MANE Select); coding-DNA position 1061, G replaced by A.
Protein change: p.Ser354Asn; replaces serine 354 with asparagine.
Molecular consequence: missense variant.
Genome position (GRCh38, 1-based): chr2:5,693,782, G>A. VCF-style: chr2-5693782-G-A. GRCh37 (hg19) VCF-style: chr2-5833914-G-A.
Other names: short protein forms S354N.
Identifiers: ClinVar variation 2636801 (VCV002636801.2), dbSNP rs2465088788, ClinGen allele CA345868031.